The following is an entry in ClinVar:

ClinVar aggregate classification (germline): Uncertain significance (1 of 4 stars; one submission).

Allele frequency attached by ClinVar (database versions not stated): gnomAD exomes 0.00004; 1000 Genomes Project 30x 0.00062; ExAC 0.00009; 1000 Genomes Project 0.00080; gnomAD 0.00005.
gnomAD v4.1: 71 of 1,612,702 alleles (0.0044%); highest among the groups gnomAD compares: South Asian, 0.074%; 1 homozygote.

Submission:

Labcorp Genetics (formerly Invitae), Labcorp
Classification: Uncertain significance. Last evaluated: 2025-10-30. Review status: criteria provided, single submitter. Criteria: Invitae Variant Classification Sherloc (09022015). Collection method: clinical testing. Allele origin: germline.
Comment: This sequence change replaces glutamic acid, which is acidic and polar, with glutamine, which is neutral and polar, at codon 630 of the RNF31 protein (p.Glu630Gln). This variant is present in population databases (rs528579961, gnomAD 0.07%), and has an allele count higher than expected for a pathogenic variant. This variant has not been reported in the literature in individuals affected with RNF31-related conditions. ClinVar contains an entry for this variant (Variation ID: 1960186). An algorithm developed to predict the effect of missense changes on protein structure and function (PolyPhen-2) suggests that this variant is likely to be tolerated. In summary, the available evidence is currently insufficient to determine the role of this variant in disease. Therefore, it has been classified as a Variant of Uncertain Significance.

NM_017999.5(RNF31):c.1888G>C (p.Glu630Gln)

Gene: RNF31 (ring finger protein 31; plus strand). Cytogenetic location: 14q12.
Variant type: single nucleotide variant.
Coding change: c.1888G>C on transcript NM_017999.5 (MANE Select); coding-DNA position 1888, G replaced by C.
Protein change: p.Glu630Gln; replaces glutamic acid 630 with glutamine.
Molecular consequence: missense variant.
Genome position (GRCh38, 1-based): chr14:24,151,635, G>C. VCF-style: chr14-24151635-G-C. GRCh37 (hg19) VCF-style: chr14-24620844-G-C.
Other names: c.1435G>C, p.Glu479Gln (NM_001310332.2); short protein forms E479Q, E630Q.
Identifiers: ClinVar variation 1960186 (VCV001960186.5), dbSNP rs528579961, ClinGen allele CA7125908.